The following is an entry in ClinVar:

NM_001165963.4(SCN1A):c.644T>A (p.Leu215Ter)

Gene: SCN1A (sodium voltage-gated channel alpha subunit 1; minus strand). Cytogenetic location: 2q24.3.
Variant type: single nucleotide variant.
Coding change: c.644T>A on transcript NM_001165963.4 (MANE Select); coding-DNA position 644, T replaced by A.
Protein change: p.Leu215Ter; replaces leucine 215 with a stop codon.
Molecular consequence: nonsense. On other transcripts: 5 prime UTR variant (1), non-coding transcript variant (1).
Genome position (GRCh38, 1-based): chr2:166,052,902, A>T on the plus strand (T>A on the coding strand, the complement: SCN1A is on the minus strand). VCF-style: chr2-166052902-A-T. GRCh37 (hg19) VCF-style: chr2-166909412-A-T.
Other names: c.644T>A, p.Leu215Ter (NM_001165964.3, NM_001202435.3, NM_001353948.2 and 10 more transcripts); c.-1782T>A (NM_001353961.2); short protein forms L215*.
Identifiers: ClinVar variation 280390 (VCV000280390.2), dbSNP rs886041604, ClinGen allele CA10602803.

ClinVar aggregate classification (germline): Pathogenic (1 of 4 stars; one submission).

Submission:

GeneDx
Classification: Pathogenic. Last evaluated: 2016-03-16. Review status: criteria provided, single submitter. Criteria: GeneDx Variant Classification (06012015). Collection method: clinical testing. Allele origin: germline. Affected: yes.
Comment: The L215X nonsense variant in the SCN1A gene is predicted to cause loss of normal protein function either through protein truncation or nonsense-mediated mRNA decay.It was not observed in approximately 6,500 individuals of European and African American ancestry in the NHLBI Exome Sequencing Project, indicating it is not a common benign variant in these populations.